The following is an entry in ClinVar:

NM_007078.3(LDB3):c.690-4618C>T

Genes: LDB3 (LIM domain binding 3; plus strand), LOC110121486 (VISTA enhancer hs2143; plus strand). Cytogenetic location: 10q23.2.
Variant type: single nucleotide variant.
Coding change: c.690-4618C>T on transcript NM_007078.3 (MANE Select); 4618 bases into the intron before coding-DNA position 690, C replaced by T.
Molecular consequence: intron variant.
Genome position (GRCh38, 1-based): chr10:86,687,278, C>T. VCF-style: chr10-86687278-C-T. GRCh37 (hg19) VCF-style: chr10-88447035-C-T.
Other names: c.690-4618C>T (NM_001368064.1, NM_001368063.1, NM_001368065.1 and 1 more transcripts); c.548+6C>T (NM_001368068.1, NM_001368066.1, NM_001080114.2 and 2 more transcripts); c.893+6C>T (NM_001171610.2, NM_001171611.2).
Identifiers: ClinVar variation 2140948 (VCV002140948.4), dbSNP rs764620834, ClinGen allele CA595183629.

ClinVar aggregate classification (germline): Uncertain significance (1 of 4 stars; one submission).

Conditions:
Myofibrillar myopathy 4. Also called: Zaspopathy (type). Identifiers: Orphanet 98912, MedGen C4721886, MONDO:0012277, OMIM 609452.

gnomAD v4.1: 3 of 1,613,522 alleles (0.00019%); highest among the groups gnomAD compares: African/African-American, 0.0013%; no homozygotes.

Submission:

Labcorp Genetics (formerly Invitae), Labcorp
Classification: Uncertain significance for Myofibrillar myopathy 4. Last evaluated: 2025-07-27. Review status: criteria provided, single submitter. Criteria: Invitae Variant Classification Sherloc (09022015). Collection method: clinical testing. Allele origin: germline.
Comment: This sequence change falls in intron 5 of the LDB3 gene. It does not directly change the encoded amino acid sequence of the LDB3 protein. It affects a nucleotide within the consensus splice site. This variant is present in population databases (no rsID available, gnomAD 0.0009%). This variant has not been reported in the literature in individuals affected with LDB3-related conditions. ClinVar contains an entry for this variant (Variation ID: 2140948). Variants that disrupt the consensus splice site are a relatively common cause of aberrant splicing (PMID: 17576681, 9536098). Algorithms developed to predict the effect of sequence changes on RNA splicing suggest that this variant is not likely to affect RNA splicing. In summary, the available evidence is currently insufficient to determine the role of this variant in disease. Therefore, it has been classified as a Variant of Uncertain Significance.

Literature cited by the submitters: PubMed 17576681; PubMed 9536098.